The following is an entry in ClinVar:

ClinVar aggregate classification (germline): Uncertain significance. Review status: criteria provided, multiple submitters, no conflicts (2 of 4 stars). 2 submissions from 2 submitters: Uncertain significance (2). Last evaluated 2024-03-18.

Conditions:
KDM6B-related disorder. Also called: KDM6B-related condition.
Inborn genetic diseases. Identifiers: MedGen C0950123, MeSH D030342.

Allele frequency attached by ClinVar (database versions not stated): ExAC 0.00002; gnomAD 0.00003; gnomAD exomes 0.00004; TOPMed 0.00005.
gnomAD v4.1: 60 of 1,614,080 alleles (0.0037%); highest among the groups gnomAD compares: Non-Finnish European, 0.0047%; no homozygotes.

Submissions (2):

Ambry Genetics
Classification: Uncertain significance for Inborn genetic diseases. Last evaluated: 2024-03-18. Review status: criteria provided, single submitter. Criteria: Ambry Variant Classification Scheme 2023. Collection method: clinical testing. Allele origin: germline.

PreventionGenetics, part of Exact Sciences
Classification: Uncertain significance for KDM6B-related condition. Last evaluated: 2023-01-03. Review status: criteria provided, single submitter. Criteria: ACMG Guidelines, 2015. Collection method: clinical testing. Allele origin: germline.
Comment: The KDM6B c.110C>T variant is predicted to result in the amino acid substitution p.Pro37Leu. To our knowledge, this variant has not been reported in the literature. This variant is reported in 0.0056% of alleles in individuals of Latino descent in gnomAD. At this time, the clinical significance of this variant is uncertain due to the absence of conclusive functional and genetic evidence.

NM_001348716.2(KDM6B):c.110C>T (p.Pro37Leu)

Gene: KDM6B (lysine demethylase 6B; plus strand). Cytogenetic location: 17p13.1.
Variant type: single nucleotide variant.
Coding change: c.110C>T on transcript NM_001348716.2 (MANE Select); coding-DNA position 110, C replaced by T.
Protein change: p.Pro37Leu; replaces proline 37 with leucine.
Molecular consequence: missense variant.
Genome position (GRCh38, 1-based): chr17:7,845,664, C>T. VCF-style: chr17-7845664-C-T. GRCh37 (hg19) VCF-style: chr17-7748982-C-T.
Other names: c.110C>T, p.Pro37Leu (NM_001080424.2); short protein forms P37L.
Identifiers: ClinVar variation 2628898 (VCV002628898.2), dbSNP rs747558929, ClinGen allele CA8360050.